The following is an entry in ClinVar:

NM_001330588.2(TPP2):c.476C>A (p.Ala159Asp)

Gene: TPP2 (tripeptidyl peptidase 2; plus strand). Cytogenetic location: 13q33.1.
Variant type: single nucleotide variant.
Coding change: c.476C>A on transcript NM_001330588.2 (MANE Select); coding-DNA position 476, C replaced by A.
Protein change: p.Ala159Asp; replaces alanine 159 with aspartic acid.
Molecular consequence: missense variant. On other transcripts: non-coding transcript variant (1).
Genome position (GRCh38, 1-based): chr13:102,616,481, C>A. VCF-style: chr13-102616481-C-A. GRCh37 (hg19) VCF-style: chr13-103268831-C-A.
Other names: c.476C>A, p.Ala159Asp (NM_001367947.1, NM_003291.4); short protein forms A159D.
Identifiers: ClinVar variation 2874763 (VCV002874763.3), dbSNP rs1394748515, ClinGen allele CA388473887.
Genomic context (GRCh38, chr13:102,616,481, plus strand): 5'-ACCCTGTTCACAGAGTGGCCCTTGCAGAAGCCTGTAGAAAACAGGAAGAATTTGATGTTG[C>A]CAACAACGGCTCTTCTCAAGTTGGTGCTAGTCGATTTCATTTAAACATTACCCTAGAACC-3'
Protein context (NP_001317517.1, residues 149-169): ACRKQEEFDV[Ala159Asp]NNGSSQANKL

ClinVar aggregate classification (germline): Uncertain significance (1 of 4 stars; one submission).

Conditions:
Evans syndrome, immunodeficiency, and premature immunosenescence associated with tripeptidyl-peptidase II deficiency. Identifiers: MedGen CN231723. Disease mechanism: loss of function.

Submission:

Labcorp Genetics (formerly Invitae), Labcorp
Classification: Uncertain significance for Evans syndrome, immunodeficiency, and premature immunosenescence associated with tripeptidyl-peptidase II deficiency. Last evaluated: 2023-12-30. Review status: criteria provided, single submitter. Criteria: Invitae Variant Classification Sherloc (09022015). Collection method: clinical testing. Allele origin: germline.
Comment: This sequence change replaces alanine, which is neutral and non-polar, with aspartic acid, which is acidic and polar, at codon 159 of the TPP2 protein (p.Ala159Asp). This variant is not present in population databases (gnomAD no frequency). This variant has not been reported in the literature in individuals affected with TPP2-related conditions. An algorithm developed to predict the effect of missense changes on protein structure and function (PolyPhen-2) suggests that this variant is likely to be tolerated. In summary, the available evidence is currently insufficient to determine the role of this variant in disease. Therefore, it has been classified as a Variant of Uncertain Significance.